The following is an entry in ClinVar:

ClinVar aggregate classification (germline): Uncertain significance (1 of 4 stars; one submission).

Submission:

Ambry Genetics
Classification: Uncertain significance. Last evaluated: 2026-06-03. Review status: criteria provided, single submitter. Criteria: Ambry Variant Classification Scheme 2023. Collection method: clinical testing. Allele origin: germline.
Comment: The p.P1435L variant (also known as c.4304C>T), located in coding exon 19 of the WNK2 gene, results from a C to T substitution at nucleotide position 4304. The proline at codon 1435 is replaced by leucine, an amino acid with similar properties. This amino acid position is conserved. In addition, this alteration is predicted to be tolerated by in silico analysis. Based on the available evidence, the clinical significance of this variant remains unclear.

NM_006648.4(WNK2):c.4304C>T (p.Pro1435Leu)

Gene: WNK2 (WNK lysine deficient protein kinase 2; plus strand). Cytogenetic location: 9q22.31.
Variant type: single nucleotide variant.
Coding change: c.4304C>T on transcript NM_006648.4 (MANE Select); coding-DNA position 4304, C replaced by T.
Protein change: p.Pro1435Leu; replaces proline 1435 with leucine.
Molecular consequence: missense variant.
Genome position (GRCh38, 1-based): chr9:93,289,058, C>T. VCF-style: chr9-93289058-C-T. GRCh37 (hg19) VCF-style: chr9-96051340-C-T.
Other names: c.4415C>T, p.Pro1472Leu (NM_001282394.3); short protein forms P1472L, P1435L.
Identifiers: ClinVar variation 4605439 (VCV004605439.2).